The following is an entry in ClinVar:

NM_001164508.2(NEB):c.19624G>A (p.Asp6542Asn)

Genes: NEB (nebulin; minus strand), LOC126806373 (BRD4-independent group 4 enhancer GRCh37_chr2:152410007-152411206; plus strand). Cytogenetic location: 2q23.3.
Variant type: single nucleotide variant.
Coding change: c.19624G>A on transcript NM_001164508.2 (MANE Select); coding-DNA position 19624, G replaced by A.
Protein change: p.Asp6542Asn; replaces aspartic acid 6542 with asparagine.
Molecular consequence: missense variant.
Genome position (GRCh38, 1-based): chr2:151,553,830, C>T on the plus strand (G>A on the coding strand, the complement: NEB is on the minus strand). VCF-style: chr2-151553830-C-T. GRCh37 (hg19) VCF-style: chr2-152410344-C-T.
Other names: c.19624G>A, p.Asp6542Asn (NM_001164507.2, NM_001271208.2); c.14521G>A, p.Asp4841Asn (NM_004543.5); short protein forms D4841N, D6542N.
Identifiers: ClinVar variation 1499616 (VCV001499616.3), dbSNP rs757407447, ClinGen allele CA1907599.
Genomic context (GRCh38, chr2:151,553,830, plus strand): 5'-TCTGGGTGGGGCCGTGGGGCGGGGCCGTGGAGGGGTACTTCTTAAGTCACAGGCTTACAT[C>T]GCTGATCTGATCTGTGACTTTCCTGACGTGATCATTGACTTGCAAGTCGGGGTGGCAAAT-3'
Protein context (NP_001157980.2, residues 6532-6552): HVRKVTDQIS[Asp6542Asn]IVYKDDLNWL

ClinVar aggregate classification (germline): Uncertain significance (1 of 4 stars; one submission).

Conditions:
Nemaline myopathy 2 (NEM2). Also called: Nemaline myopathy 2, autosomal recessive. Identifiers: MedGen C1850569, MONDO:0009725, OMIM 256030.

Allele frequency attached by ClinVar (database versions not stated): TOPMed below 0.00001; gnomAD exomes 0.00001; ExAC 0.00002.
gnomAD v4.1: 7 of 1,608,938 alleles (0.00044%); highest among the groups gnomAD compares: South Asian, 0.0067%; no homozygotes.

Submission:

Labcorp Genetics (formerly Invitae), Labcorp
Classification: Uncertain significance for Nemaline myopathy 2. Last evaluated: 2022-09-01. Review status: criteria provided, single submitter. Criteria: Invitae Variant Classification Sherloc (09022015). Collection method: clinical testing. Allele origin: germline.
Comment: This sequence change replaces aspartic acid, which is acidic and polar, with asparagine, which is neutral and polar, at codon 6542 of the NEB protein (p.Asp6542Asn). This variant is present in population databases (rs757407447, gnomAD 0.007%). This variant has not been reported in the literature in individuals affected with NEB-related conditions. ClinVar contains an entry for this variant (Variation ID: 1499616). Algorithms developed to predict the effect of missense changes on protein structure and function are either unavailable or do not agree on the potential impact of this missense change (SIFT: "Deleterious"; PolyPhen-2: "Not Available"; Align-GVGD: "Class C0"). In summary, the available evidence is currently insufficient to determine the role of this variant in disease. Therefore, it has been classified as a Variant of Uncertain Significance.